The following is an entry in ClinVar:

ClinVar aggregate classification (germline): Uncertain significance (1 of 4 stars; one submission).

Conditions:
Polyhydramnios, megalencephaly, and symptomatic epilepsy (PMSE). Also called: PMSE SYNDROME. Identifiers: Orphanet 500533, MedGen C1970203, MONDO:0012611, OMIM 611087.

Submission:

Labcorp Genetics (formerly Invitae), Labcorp
Classification: Uncertain significance for Polyhydramnios, megalencephaly, and symptomatic epilepsy. Last evaluated: 2022-08-15. Review status: criteria provided, single submitter. Criteria: Invitae Variant Classification Sherloc (09022015). Collection method: clinical testing. Allele origin: germline.
Comment: In summary, the available evidence is currently insufficient to determine the role of this variant in disease. Therefore, it has been classified as a Variant of Uncertain Significance. Algorithms developed to predict the effect of missense changes on protein structure and function (SIFT, PolyPhen-2, Align-GVGD) all suggest that this variant is likely to be tolerated. ClinVar contains an entry for this variant (Variation ID: 1495530). This variant has not been reported in the literature in individuals affected with STRADA-related conditions. This variant is not present in population databases (gnomAD no frequency). This sequence change replaces proline, which is neutral and non-polar, with leucine, which is neutral and non-polar, at codon 334 of the STRADA protein (p.Pro334Leu).

NM_001003787.4(STRADA):c.1001C>T (p.Pro334Leu)

Gene: STRADA (STE20 related adaptor alpha; minus strand). Cytogenetic location: 17q23.3.
Variant type: single nucleotide variant.
Coding change: c.1001C>T on transcript NM_001003787.4 (MANE Select); coding-DNA position 1001, C replaced by T.
Protein change: p.Pro334Leu; replaces proline 334 with leucine.
Molecular consequence: missense variant. On other transcripts: non-coding transcript variant (1).
Genome position (GRCh38, 1-based): chr17:63,704,440, G>A on the plus strand (C>T on the coding strand, the complement: STRADA is on the minus strand). VCF-style: chr17-63704440-G-A. GRCh37 (hg19) VCF-style: chr17-61781800-G-A.
Other names: c.890C>T, p.Pro297Leu (NM_001003786.3, NM_001363789.1, NM_153335.6); c.827C>T, p.Pro276Leu (NM_001003788.3, NM_001363790.1, NM_001363791.1); c.914C>T, p.Pro305Leu (NM_001165969.2, NM_001363787.1); c.869C>T, p.Pro290Leu (NM_001165970.2); c.977C>T, p.Pro326Leu (NM_001363786.1); c.1001C>T, p.Pro334Leu (NM_001363788.1); short protein forms P297L, P334L, P276L, P290L, P326L, P305L.
Identifiers: ClinVar variation 1495530 (VCV001495530.6), dbSNP rs2035936169, ClinGen allele CA400587558.